The following is an entry in ClinVar:

NM_016734.3(PAX5):c.782C>A (p.Thr261Asn)

Gene: PAX5 (paired box 5; minus strand). Cytogenetic location: 9p13.2.
Variant type: single nucleotide variant.
Coding change: c.782C>A on transcript NM_016734.3 (MANE Select); coding-DNA position 782, C replaced by A.
Protein change: p.Thr261Asn; replaces threonine 261 with asparagine.
Molecular consequence: missense variant. On other transcripts: intron variant (2).
Genome position (GRCh38, 1-based): chr9:36,923,483, G>T on the plus strand (C>A on the coding strand, the complement: PAX5 is on the minus strand). VCF-style: chr9-36923483-G-T. GRCh37 (hg19) VCF-style: chr9-36923480-G-T.
Other names: c.782C>A, p.Thr261Asn (NM_001280547.2, NM_001280548.2, NM_001280552.2); c.458C>A, p.Thr153Asn (NM_001280551.2, NM_001280556.2); c.653C>A, p.Thr218Asn (NM_001280553.2, NM_001280554.2); c.584C>A, p.Thr195Asn (NM_001280555.2); c.780+43066C>A (NM_001280550.2, NM_001280549.2); short protein forms T153N, T195N, T218N, T261N.
Identifiers: ClinVar variation 4861626 (VCV004861626.1).

ClinVar aggregate classification (germline): Uncertain significance (1 of 4 stars; one submission).

Conditions:
Inborn genetic diseases. Identifiers: MedGen C0950123, MeSH D030342.

Submission:

Ambry Genetics
Classification: Uncertain significance for Inborn genetic diseases. Last evaluated: 2026-06-09. Review status: criteria provided, single submitter. Criteria: Ambry Variant Classification Scheme 2023. Collection method: clinical testing. Allele origin: germline.
Comment: The p.T261N variant (also known as c.782C>A), located in coding exon 7 of the PAX5 gene, results from a C to A substitution at nucleotide position 782. The threonine at codon 261 is replaced by asparagine, an amino acid with similar properties. This amino acid position is conserved. In addition, the in silico prediction for this alteration is inconclusive. Based on the available evidence, the clinical significance of this variant remains unclear.